The following is an entry in ClinVar:

NM_001081.4(CUBN):c.3210C>A (p.Asn1070Lys)

Gene: CUBN (cubilin; minus strand). Cytogenetic location: 10p13.
Variant type: single nucleotide variant.
Coding change: c.3210C>A on transcript NM_001081.4 (MANE Select); coding-DNA position 3210, C replaced by A.
Protein change: p.Asn1070Lys; replaces asparagine 1070 with lysine.
Molecular consequence: missense variant.
Genome position (GRCh38, 1-based): chr10:17,047,533, G>T on the plus strand (C>A on the coding strand, the complement: CUBN is on the minus strand). VCF-style: chr10-17047533-G-T. GRCh37 (hg19) VCF-style: chr10-17089532-G-T.
Other names: short protein forms N1070K.
Identifiers: ClinVar variation 2072229 (VCV002072229.5), dbSNP rs760913040, ClinGen allele CA5424727.
Genomic context (GRCh38, chr10:17,047,533, plus strand): 5'-GAAGTGCACTGCAATCAGTTGGCCAGTTCTCACTGTGATCCGATAAATGCATTCCCAGTT[G>T]TTGGGATAATTATTGGGGAAGTTTGGAGAAGTGAATGTCCCCAAATCATCTGTGTAGTCT-3'
Protein context (NP_001072.2, residues 1060-1080): TSPNFPNNYP[Asn1070Lys]NWECIYRITV

ClinVar aggregate classification (germline): Uncertain significance. Review status: criteria provided, multiple submitters, no conflicts (2 of 4 stars). 2 submissions from 2 submitters: Uncertain significance (2). Last evaluated 2025-06-19.

Conditions:
Inborn genetic diseases. Identifiers: MedGen C0950123, MeSH D030342.
Imerslund-Grasbeck syndrome. Also called: Imerslund-Gräsbeck syndrome; Megaloblastic anemia due to inborn errors of metabolism; ENTEROCYTE COBALAMIN MALABSORPTION; ENTEROCYTE INTRINSIC FACTOR RECEPTOR, DEFECT OF; PERNICIOUS ANEMIA, JUVENILE, DUE TO SELECTIVE INTESTINAL MALABSORPTION OF VITAMIN B12, WITH PROTEINURIA. Identifiers: Orphanet 35858, MedGen C4551825, MONDO:0009853.

Allele frequency attached by ClinVar (database versions not stated): gnomAD 0.00003; ExAC 0.00001.
gnomAD v4.1: 9 of 1,613,740 alleles (0.00056%); highest among the groups gnomAD compares: South Asian, 0.0022%; no homozygotes.

Submissions (2):

Ambry Genetics
Classification: Uncertain significance for Inborn genetic diseases. Last evaluated: 2025-06-19. Review status: criteria provided, single submitter. Criteria: Ambry Variant Classification Scheme 2023. Collection method: clinical testing. Allele origin: germline.

Labcorp Genetics (formerly Invitae), Labcorp
Classification: Uncertain significance for Imerslund-Grasbeck syndrome. Last evaluated: 2022-03-04. Review status: criteria provided, single submitter. Criteria: Invitae Variant Classification Sherloc (09022015). Collection method: clinical testing. Allele origin: germline.
Comment: This variant is present in population databases (rs760913040, gnomAD 0.003%). This sequence change replaces asparagine, which is neutral and polar, with lysine, which is basic and polar, at codon 1070 of the CUBN protein (p.Asn1070Lys). Algorithms developed to predict the effect of missense changes on protein structure and function output the following: SIFT: "Tolerated"; PolyPhen-2: "Benign"; Align-GVGD: "Class C0". The lysine amino acid residue is found in multiple mammalian species, which suggests that this missense change does not adversely affect protein function. In summary, the available evidence is currently insufficient to determine the role of this variant in disease. Therefore, it has been classified as a Variant of Uncertain Significance. This variant has not been reported in the literature in individuals affected with CUBN-related conditions.